The following is an entry in ClinVar:

NM_000195.5(HPS1):c.1807C>T (p.Gln603Ter)

Gene: HPS1 (HPS1 biogenesis of lysosomal organelles complex 3 subunit 1; minus strand). Cytogenetic location: 10q24.2.
Variant type: single nucleotide variant.
Coding change: c.1807C>T on transcript NM_000195.5 (MANE Select); coding-DNA position 1807, C replaced by T.
Protein change: p.Gln603Ter; replaces glutamine 603 with a stop codon.
Molecular consequence: nonsense.
Genome position (GRCh38, 1-based): chr10:98,420,095, G>A on the plus strand (C>T on the coding strand, the complement: HPS1 is on the minus strand). VCF-style: chr10-98420095-G-A. GRCh37 (hg19) VCF-style: chr10-100179852-G-A.
Other names: NM_000195.5(HPS1):c.1807C>T; p.Gln603Ter; c.835C>T, p.Gln279Ter (NM_001311345.2, NM_001322487.2, NM_001322489.2); c.1807C>T, p.Gln603Ter (NM_001322476.2, NM_001322477.2); c.1708C>T, p.Gln570Ter (NM_001322478.2, NM_001322479.2); c.1546C>T, p.Gln516Ter (NM_001322480.2, NM_001322481.2); c.1447C>T, p.Gln483Ter (NM_001322482.2); c.1438C>T, p.Gln480Ter (NM_001322483.2, NM_001322484.2); and 1 more; short protein forms Q603*, Q447*, Q516*, Q480*, Q483*, Q279*, Q570*.
Identifiers: ClinVar variation 627613 (VCV000627613.7), dbSNP rs886077189, ClinGen allele CA212759493.

ClinVar aggregate classification (germline): Conflicting classifications of pathogenicity. Review status: criteria provided, conflicting classifications (1 of 4 stars). 4 submissions from 4 submitters: Pathogenic (2); Uncertain significance (1). 1 of the submissions does not count toward it. Last evaluated 2025-05-06.

Conditions:
Hermansky-Pudlak syndrome 1 (HPS1). Also called: DELTA STORAGE POOL DISEASE. Identifiers: Orphanet 231500, Orphanet 79430, MedGen C2931875, MONDO:0008748, OMIM 203300.
Hermansky-Pudlak syndrome (HPS). Also called: ALBINISM WITH HEMORRHAGIC DIATHESIS AND PIGMENTED RETICULOENDOTHELIAL CELLS. Identifiers: Orphanet 79430, MedGen C0079504, MONDO:0019312.

Allele frequency attached by ClinVar (database versions not stated): gnomAD 0.00001; gnomAD exomes 0.00001; TOPMed 0.00001.
gnomAD v4.1: 17 of 1,613,946 alleles (0.0011%); highest among the groups gnomAD compares: Non-Finnish European, 0.0014%; no homozygotes.

Submissions (4):

Broad Center for Mendelian Genomics, Broad Institute of MIT and Harvard
Classification: Uncertain significance for Hermansky-Pudlak syndrome. Last evaluated: 2025-05-06. Review status: criteria provided, single submitter. Criteria: ACMG Guidelines, 2015. Collection method: curation. Allele origin: germline. Inheritance: Autosomal recessive inheritance.
Comment: The p.Gln603Ter variant in HPS1 has been reported in 1 individual, in the compound heterozygous state, with Hermansky-Pudlak syndrome (PMID: 31229681), and has been identified in 0.001% (17/1179928) of European (non-Finnish) chromosomes by the Genome Aggregation Database (gnomAD; dbSNP ID: rs886077189). Although this variant has been seen in the general population in a heterozygous state, its frequency is low enough to be consistent with a recessive carrier frequency. Please note that the individuals in gnomAD with the c.1807C>T variant, have it in phase with an additional nucleotide change, resulting in a multinucleotide variant (p.Gln603Trp). The p.Gln603Ter variant has also been reported in ClinVar (Variation ID#: 627613) and has been interpreted as pathogenic by Fulgent Genetics, Baylor Genetics, and Center of Medical Genetics (Central South University). In summary, the clinical significance of the p.Gln603Ter variant is uncertain. ACMG/AMP Criteria applied: PM2_supporting, PM3 (Richards 2015).

Baylor Genetics
Classification: Pathogenic for Hermansky-Pudlak syndrome 1. Last evaluated: 2024-01-18. Review status: criteria provided, single submitter. Criteria: ACMG Guidelines, 2015. Collection method: clinical testing. Allele origin: unknown.

Fulgent Genetics
Classification: Pathogenic for Hermansky-Pudlak syndrome 1. Last evaluated: 2021-07-08. Review status: criteria provided, single submitter. Criteria: ACMG Guidelines, 2015. Collection method: clinical testing. Allele origin: unknown.

Center of Medical Genetics, Central South University
Classification: Pathogenic for Hermansky-Pudlak syndrome 1. Last evaluated: 2019-03-26. Review status: no assertion criteria provided. Criteria: ACMG Guidelines, 2015. Collection method: clinical testing. Allele origin: germline. Affected: yes. Not counted in ClinVar's aggregate classification.